The following is an entry in ClinVar:

NM_001035.3(RYR2):c.2680G>A (p.Val894Ile)

Gene: RYR2 (ryanodine receptor 2; plus strand). Cytogenetic location: 1q43.
Variant type: single nucleotide variant.
Coding change: c.2680G>A on transcript NM_001035.3 (MANE Select); coding-DNA position 2680, G replaced by A.
Protein change: p.Val894Ile; replaces valine 894 with isoleucine.
Molecular consequence: missense variant.
Genome position (GRCh38, 1-based): chr1:237,506,776, G>A. VCF-style: chr1-237506776-G-A. GRCh37 (hg19) VCF-style: chr1-237670076-G-A.
Other names: short protein forms V894I.
Identifiers: ClinVar variation 2747369 (VCV002747369.3), dbSNP rs2545920739, ClinGen allele CA345381297.

ClinVar aggregate classification (germline): Uncertain significance (1 of 4 stars; one submission).

Conditions:
Catecholaminergic polymorphic ventricular tachycardia 1. Also called: VENTRICULAR TACHYCARDIA, STRESS-INDUCED POLYMORPHIC 1; VENTRICULAR TACHYCARDIA, CATECHOLAMINERGIC POLYMORPHIC, 1, WITH OR WITHOUT ATRIAL DYSFUNCTION AND/OR DILATED CARDIOMYOPATHY; RYR2-Related Catecholaminergic Polymorphic Ventricular Tachycardia. Identifiers: Orphanet 3286, MedGen C1631597, MONDO:0011484, OMIM 604772.

Submission:

Labcorp Genetics (formerly Invitae), Labcorp
Classification: Uncertain significance for Catecholaminergic polymorphic ventricular tachycardia 1. Last evaluated: 2023-07-27. Review status: criteria provided, single submitter. Criteria: Invitae Variant Classification Sherloc (09022015). Collection method: clinical testing. Allele origin: germline.
Comment: In summary, the available evidence is currently insufficient to determine the role of this variant in disease. Therefore, it has been classified as a Variant of Uncertain Significance. Advanced modeling of protein sequence and biophysical properties (such as structural, functional, and spatial information, amino acid conservation, physicochemical variation, residue mobility, and thermodynamic stability) performed at Invitae indicates that this missense variant is not expected to disrupt RYR2 protein function. This variant has not been reported in the literature in individuals affected with RYR2-related conditions. This variant is not present in population databases (gnomAD no frequency). This sequence change replaces valine, which is neutral and non-polar, with isoleucine, which is neutral and non-polar, at codon 894 of the RYR2 protein (p.Val894Ile).